The following is an entry in ClinVar:

ClinVar aggregate classification (germline): Uncertain significance (1 of 4 stars; one submission).

gnomAD v4.1: 4 of 1,170,493 alleles (0.00034%); highest among the groups gnomAD compares: African/African-American, 0.0036%; no homozygotes.

Submission:

Ambry Genetics
Classification: Uncertain significance. Last evaluated: 2025-11-13. Review status: criteria provided, single submitter. Criteria: Ambry Variant Classification Scheme 2023. Collection method: clinical testing. Allele origin: germline.
Comment: The c.2672A>G (p.Y891C) alteration is located in exon 17 (coding exon 17) of the TBC1D8B gene. This alteration results from a A to G substitution at nucleotide position 2672, causing the tyrosine (Y) at amino acid position 891 to be replaced by a cysteine (C). Based on data from gnomAD, the G allele has an overall frequency of 0.001% (2/161710) total alleles studied. The highest observed frequency was 0.008% (1/12004) of African alleles. Based on insufficient or conflicting evidence, the clinical significance of this alteration remains unclear.

NM_017752.3(TBC1D8B):c.2672A>G (p.Tyr891Cys)

Gene: TBC1D8B (TBC1 domain family member 8B; plus strand). Cytogenetic location: Xq22.3.
Variant type: single nucleotide variant.
Coding change: c.2672A>G on transcript NM_017752.3 (MANE Select); coding-DNA position 2672, A replaced by G.
Protein change: p.Tyr891Cys; replaces tyrosine 891 with cysteine.
Molecular consequence: missense variant.
Genome position (GRCh38, 1-based): chrX:106,866,806, A>G. VCF-style: chrX-106866806-A-G. GRCh37 (hg19) VCF-style: chrX-106110036-A-G.
Other names: c.2522A>G, p.Tyr841Cys (NM_001441214.1); c.2378A>G, p.Tyr793Cys (NM_001441215.1); short protein forms Y793C, Y841C, Y891C.
Identifiers: ClinVar variation 4593221 (VCV004593221.1).